The following is an entry in ClinVar:

ClinVar aggregate classification (germline): Likely pathogenic (1 of 4 stars; one submission).

Conditions:
Wilson disease (WND). Also called: Wilson's disease. Identifiers: Orphanet 905, MedGen C0019202, MONDO:0010200, OMIM 277900. Disease mechanism: loss of function.

Submission:

Natera, Inc.
Classification: Likely pathogenic for Wilson disease. Last evaluated: 2025-10-31. Review status: criteria provided, single submitter. Criteria: Natera Variant Classification Schema (03/2026). Collection method: clinical testing. Allele origin: germline.
Comment: The c.3689T>C variant in ATP7B is a missense variant predicted to cause substitution of isoleucine to threonine at amino acid 1230. This variant is rare in the general population with a frequency below the threshold expected for the associated phenotype(s). This variant has been observed in one or more individuals affected with the associated recessive disease, as either homozygous or compound heterozygous with a second variant (PMID: 32118851, 30702195). This variant has been identified in one or more affected individual with a phenotype highly consistent with the associated gene (PMID: 30702195). Computational prediction algorithms indicate this variant is likely to affect gene or protein function. Given the available evidence, this variant is classified as Likely Pathogenic.

Literature cited by the submitters: PubMed 32118851; PubMed 30702195.

NM_000053.4(ATP7B):c.3689T>C (p.Ile1230Thr)

Gene: ATP7B (ATPase copper transporting beta; minus strand). Cytogenetic location: 13q14.3.
Variant type: single nucleotide variant.
Coding change: c.3689T>C on transcript NM_000053.4 (MANE Select); coding-DNA position 3689, T replaced by C.
Protein change: p.Ile1230Thr; replaces isoleucine 1230 with threonine.
Molecular consequence: missense variant.
Genome position (GRCh38, 1-based): chr13:51,939,061, A>G on the plus strand (T>C on the coding strand, the complement: ATP7B is on the minus strand). VCF-style: chr13-51939061-A-G. GRCh37 (hg19) VCF-style: chr13-52513197-A-G.
Other names: c.3656T>C, p.Ile1219Thr (NM_001406514.1); c.3635T>C, p.Ile1212Thr (NM_001406515.1, NM_001406516.1); c.3593T>C, p.Ile1198Thr (NM_001406517.1, NM_001406518.1); c.3554T>C, p.Ile1185Thr (NM_001406519.1); c.3545T>C, p.Ile1182Thr (NM_001406520.1, NM_001406521.1, NM_001406522.1); c.3506T>C, p.Ile1169Thr (NM_001406523.1); c.3512T>C, p.Ile1171Thr (NM_001406524.1); c.3494T>C, p.Ile1165Thr (NM_001406525.1); and 20 more; short protein forms I1003T, I1014T, I1023T, I1036T, I1066T, I1068T, I1081T, I1087T.
Identifiers: ClinVar variation 4815456 (VCV004815456.1).